The following is an entry in ClinVar:

ClinVar aggregate classification (germline): Uncertain significance (1 of 4 stars; one submission).

Conditions:
Hereditary cancer-predisposing syndrome. Also called: Tumor predisposition; Hereditary Cancer Syndrome; Hereditary neoplastic syndrome; Neoplastic Syndromes, Hereditary. Identifiers: Orphanet 140162, MedGen C0027672, MeSH D009386, MONDO:0015356.

Submission:

Ambry Genetics
Classification: Uncertain significance for Hereditary cancer-predisposing syndrome. Last evaluated: 2023-06-17. Review status: criteria provided, single submitter. Criteria: Ambry Variant Classification Scheme 2023. Collection method: clinical testing. Allele origin: germline.
Comment: The p.T1280P variant (also known as c.3838A>C), located in coding exon 18 of the MET gene, results from an A to C substitution at nucleotide position 3838. The threonine at codon 1280 is replaced by proline, an amino acid with highly similar properties. This amino acid position is conserved. In addition, the in silico prediction for this alteration is inconclusive. Since supporting evidence is limited at this time, the clinical significance of this alteration remains unclear.

NM_000245.4(MET):c.3784A>C (p.Thr1262Pro)

Gene: MET (MET proto-oncogene, receptor tyrosine kinase; plus strand). Cytogenetic location: 7q31.2.
Variant type: single nucleotide variant.
Coding change: c.3784A>C on transcript NM_000245.4 (MANE Select); coding-DNA position 3784, A replaced by C.
Protein change: p.Thr1262Pro; replaces threonine 1262 with proline.
Molecular consequence: missense variant.
Genome position (GRCh38, 1-based): chr7:116,783,455, A>C. VCF-style: chr7-116783455-A-C. GRCh37 (hg19) VCF-style: chr7-116423509-A-C.
Other names: c.3838A>C, p.Thr1280Pro (NM_001127500.3); c.2494A>C, p.Thr832Pro (NM_001324402.2); short protein forms T1280P, T832P, T1262P.
Identifiers: ClinVar variation 2587465 (VCV002587465.2), dbSNP rs2485836649, ClinGen allele CA368992028.